The following is an entry in ClinVar:

NM_001164665.2(KIAA1549):c.2138G>A (p.Arg713His)

Gene: KIAA1549 (KIAA1549; minus strand). Cytogenetic location: 7q34.
Variant type: single nucleotide variant.
Coding change: c.2138G>A on transcript NM_001164665.2 (MANE Select); coding-DNA position 2138, G replaced by A.
Protein change: p.Arg713His; replaces arginine 713 with histidine.
Molecular consequence: missense variant.
Genome position (GRCh38, 1-based): chr7:138,917,488, C>T on the plus strand (G>A on the coding strand, the complement: KIAA1549 is on the minus strand). VCF-style: chr7-138917488-C-T. GRCh37 (hg19) VCF-style: chr7-138602234-C-T.
Other names: c.2138G>A, p.Arg713His (NM_020910.3); short protein forms R713H.
Identifiers: ClinVar variation 1946789 (VCV001946789.5), dbSNP rs532187532, ClinGen allele CA4506567.

ClinVar aggregate classification (germline): Uncertain significance (1 of 4 stars; one submission).

Allele frequency attached by ClinVar (database versions not stated): gnomAD exomes 0.00001; ExAC 0.00002; gnomAD 0.00002; 1000 Genomes Project 30x 0.00016; 1000 Genomes Project 0.00020.
gnomAD v4.1: 13 of 1,613,752 alleles (0.00081%); highest among the groups gnomAD compares: South Asian, 0.0044%; no homozygotes.

Submission:

Labcorp Genetics (formerly Invitae), Labcorp
Classification: Uncertain significance. Last evaluated: 2024-10-15. Review status: criteria provided, single submitter. Criteria: Invitae Variant Classification Sherloc (09022015). Collection method: clinical testing. Allele origin: germline.
Comment: This sequence change replaces arginine, which is basic and polar, with histidine, which is basic and polar, at codon 713 of the KIAA1549 protein (p.Arg713His). This variant is present in population databases (rs532187532, gnomAD 0.01%). This variant has not been reported in the literature in individuals affected with KIAA1549-related conditions. ClinVar contains an entry for this variant (Variation ID: 1946789). An algorithm developed to predict the effect of missense changes on protein structure and function outputs the following: PolyPhen-2: "Benign". The histidine amino acid residue is found in multiple mammalian species, which suggests that this missense change does not adversely affect protein function. In summary, the available evidence is currently insufficient to determine the role of this variant in disease. Therefore, it has been classified as a Variant of Uncertain Significance.